The following is an entry in ClinVar:

NM_033427.3(CTTNBP2):c.2087C>A (p.Thr696Asn)

Gene: CTTNBP2 (cortactin binding protein 2; minus strand). Cytogenetic location: 7q31.31.
Variant type: single nucleotide variant.
Coding change: c.2087C>A on transcript NM_033427.3 (MANE Select); coding-DNA position 2087, C replaced by A.
Protein change: p.Thr696Asn; replaces threonine 696 with asparagine.
Molecular consequence: missense variant. On other transcripts: 5 prime UTR variant (2).
Genome position (GRCh38, 1-based): chr7:117,784,436, G>T on the plus strand (C>A on the coding strand, the complement: CTTNBP2 is on the minus strand). VCF-style: chr7-117784436-G-T. GRCh37 (hg19) VCF-style: chr7-117424490-G-T.
Other names: c.2033C>A, p.Thr678Asn (NM_001363349.1); c.-11C>A (NM_001363350.1, NM_001363351.1); short protein forms T696N, T678N.
Identifiers: ClinVar variation 4984955 (VCV004984955.1).
Genomic context (GRCh38, chr7:117,784,436, plus strand): 5'-TGCTGAAGAAGGGTGGGCCTGCCAGCCAGGGGGGCAGGACCACCACTCATTAGCAAAGGG[G>T]TTAGGGAGGGTGACCAGCCTGTAGGTTAAAGTGACCCTCGTTAGAGAGTAGGAGCAAGGA-3'
Protein context (NP_219499.1, residues 686-706): VTASGWSPSL[Thr696Asn]PLLMSGGPAP

ClinVar aggregate classification (germline): Uncertain significance (1 of 4 stars; one submission).

Conditions:
CTTNBP2-related disorder. Also called: CTTNBP2-related condition.

gnomAD v4.1: 920 of 1,596,338 alleles (0.058%); highest among the groups gnomAD compares: Non-Finnish European, 0.075%; no homozygotes.

Submission:

PreventionGenetics, part of Exact Sciences
Classification: Uncertain significance for CTTNBP2-related condition. Last evaluated: 2025-03-13. Review status: criteria provided, single submitter. Criteria: ACMG Guidelines, 2015. Collection method: clinical testing. Allele origin: germline.
Comment: The CTTNBP2 c.2087C>A variant is predicted to result in the amino acid substitution p.Thr696Asn. To our knowledge, this variant has not been reported in the literature. This variant is reported in 0.059% of alleles in individuals of European (Non-Finnish) descent in gnomAD. Although we suspect that this variant may be benign, at this time, the clinical significance of this variant is uncertain due to the absence of conclusive functional and genetic evidence.